The following is an entry in ClinVar:

NM_012062.5(DNM1L):c.1596+66C>T

Gene: DNM1L (dynamin 1 like; plus strand). Cytogenetic location: 12p11.21.
Variant type: single nucleotide variant.
Coding change: c.1596+66C>T on transcript NM_012062.5 (MANE Select); 66 bases into the intron after coding-DNA position 1596, C replaced by T.
Molecular consequence: intron variant.
Genome position (GRCh38, 1-based): chr12:32,737,227, C>T. VCF-style: chr12-32737227-C-T. GRCh37 (hg19) VCF-style: chr12-32890161-C-T.
Other names: c.1635+66C>T (NM_001278464.2, NM_001278465.2, NM_001330380.2); c.987+66C>T (NM_001278466.2); c.1596+66C>T (NM_001278463.2, NM_012063.4, NM_005690.5).
Identifiers: ClinVar variation 676284 (VCV000676284.2), dbSNP rs7302970, ClinGen allele CA13759648.

ClinVar aggregate classification (germline): Benign. Review status: criteria provided, multiple submitters, no conflicts (2 of 4 stars). 2 submissions from 2 submitters: Benign (2). Last evaluated 2018-06-14.

Allele frequency attached by ClinVar (database versions not stated): gnomAD exomes 0.14044; 1000 Genomes Project 0.16993; 1000 Genomes Project 30x 0.17333; gnomAD 0.17737 and 0.18218; ESP Exome Variant Server 0.18413; TOPMed 0.18651.
gnomAD v4.1: 223,303 of 1,544,714 alleles (14%); highest among the groups gnomAD compares: African/African-American, 29%; 17,408 homozygotes.

Submissions (2):

GeneDx
Classification: Benign. Last evaluated: 2018-06-14. Review status: criteria provided, single submitter. Criteria: GeneDx Variant Classification (06012015). Collection method: clinical testing. Allele origin: germline. Affected: yes.
Comment: This variant is considered likely benign or benign based on one or more of the following criteria: it is a conservative change, it occurs at a poorly conserved position in the protein, it is predicted to be benign by multiple in silico algorithms, and/or has population frequency not consistent with disease.

Breakthrough Genomics
Classification: Benign. Review status: criteria provided, single submitter. Criteria: ACMG Guidelines, 2015. Collection method: not provided. Allele origin: germline. Inheritance: Autosomal recessive inheritance. Affected: yes.